The following is an entry in ClinVar:

ClinVar aggregate classification (germline): Pathogenic. Review status: criteria provided, multiple submitters, no conflicts (2 of 4 stars). 2 submissions from 2 submitters: Pathogenic (2). Last evaluated 2025-01-27.
ClinVar aggregate classification (oncogenicity): Likely oncogenic (1 of 4 stars; one submission).

Conditions:
Hypoparathyroidism, deafness, renal disease syndrome (HDRS). Also called: HYPOPARATHYROIDISM, SENSORINEURAL DEAFNESS, AND RENAL DYSPLASIA SYNDROME. Identifiers: Orphanet 2237, MedGen C1840333, MONDO:0007797, OMIM 146255.
Neoplasm. Also called: tumor; Neoplasms; Neoplasm (disease). Identifiers: MedGen C0027651, MeSH D009369, MONDO:0005070, HP:0002664.

Allele frequency attached by ClinVar (database versions not stated): gnomAD exomes below 0.00001; ExAC 0.00001.

Submissions (5):

Center for Genomic Medicine, Rigshospitalet, Copenhagen University Hospital
Classification: Likely oncogenic for Neoplasm. Last evaluated: 2025-03-04. Review status: criteria provided, single submitter. Criteria: ClinGen/CGC/VICC Guidelines for Oncogenicity, 2022. Collection method: clinical testing. Allele origin: somatic. Affected: yes.

GeneDx
Classification: Pathogenic. Last evaluated: 2025-01-27. Review status: criteria provided, single submitter. Criteria: GeneDx Variant Classification Process June 2021. Collection method: clinical testing. Allele origin: germline. Affected: yes.
Comment: Not observed at significant frequency in large population cohorts (gnomAD); Canonical splice site variant predicted to result in an in-frame loss of the adjacent exon in a gene for which loss of function is a known mechanism of disease; This variant is associated with the following publications: (PMID: Wong2013[Poster])

Mendelics
Classification: Pathogenic for Hypoparathyroidism, deafness, renal disease syndrome. Last evaluated: 2022-05-04. Review status: criteria provided, single submitter. Criteria: Mendelics Assertion Criteria 2019. Collection method: clinical testing. Allele origin: germline.

Dr. Peter K. Rogan Lab, Western University
No classification provided (evidence only). Condition: Familial cancer of breast. Review status: no classification provided. Collection method: in vitro. Allele origin: not applicable. Functional consequence: retained intron. Not counted in ClinVar's aggregate classification.

Dr. Peter K. Rogan Lab, Western University
No classification provided (evidence only). Condition: Familial cancer of breast. Review status: no classification provided. Collection method: in vitro. Allele origin: not applicable. Functional consequence: retained intron. Not counted in ClinVar's aggregate classification.

NM_001002295.2(GATA3):c.925-3_925-2del

Gene: GATA3 (GATA binding protein 3; plus strand). Cytogenetic location: 10p14.
Variant type: Deletion.
Coding change: c.925-3_925-2del on transcript NM_001002295.2 (MANE Select); 3 bases into the intron before coding-DNA position 925 through the canonical splice acceptor site of the intron before coding-DNA position 925, 2 bases deleted (CA; older notation c.925-3_925-2delCA).
Molecular consequence: splice acceptor variant.
Genome position (GRCh38, 1-based): chr10:8,069,470-8,069,471, CA deleted. VCF-style (leftmost placement, unchanged base first): chr10-8069469-TCA-T. GRCh37 (hg19) VCF-style: chr10-8111432-TCA-T.
Other names: NC_000010.10:g.8111433_8111434del; c.925-3_925-2delCA (NM_001002295.2); c.922-3_922-2del (NM_002051.3).
Identifiers: ClinVar variation 1685841 (VCV001685841.4), dbSNP rs763236375, ClinGen allele CA5404512.
Genomic context (GRCh38, chr10:8,069,469, plus strand): 5'-ATAGTGATGACAACACATTTAACATTTGTTTTGATTTCACCCTCTCCTCTCTCCCCACTC[TCA>T]GTCTGCAGCCAGGAGAGCAGGGACGTCCTGTGCGAACTGTCAGACCACCACAACCACACT-3'